The following is an entry in ClinVar:

NM_001845.6(COL4A1):c.2976del (p.Gly993fs)

Gene: COL4A1 (collagen type IV alpha 1 chain; minus strand). Cytogenetic location: 13q34.
Variant type: Deletion.
Coding change: c.2976del on transcript NM_001845.6 (MANE Select); coding-DNA position 2976, one base deleted (A; older notation c.2976delA).
Protein change: p.Gly993fs; shifts the reading frame from glycine 993.
Molecular consequence: frameshift variant.
Genome position (GRCh38, 1-based): chr13:110,176,506, T deleted on the plus strand (A on the coding strand, the reverse complement: COL4A1 is on the minus strand); the first of 3 consecutive T bases (chr13:110,176,506-110,176,508); deleting any one gives the same sequence. VCF-style (leftmost placement, unchanged base first): chr13-110176505-CT-C. GRCh37 (hg19) VCF-style: chr13-110828852-CT-C.
Other names: short protein forms G993fs.
Identifiers: ClinVar variation 3686773 (VCV003686773.2).

ClinVar aggregate classification (germline): Pathogenic (1 of 4 stars; one submission).

Submission:

Labcorp Genetics (formerly Invitae), Labcorp
Classification: Pathogenic. Last evaluated: 2024-08-28. Review status: criteria provided, single submitter. Criteria: Invitae Variant Classification Sherloc (09022015). Collection method: clinical testing. Allele origin: germline.
Comment: This sequence change creates a premature translational stop signal (p.Gly993Valfs*5) in the COL4A1 gene. It is expected to result in an absent or disrupted protein product. Loss-of-function variants in COL4A1 are known to be pathogenic (PMID: 23225343). This variant is not present in population databases (gnomAD no frequency). This variant has not been reported in the literature in individuals affected with COL4A1-related conditions. For these reasons, this variant has been classified as Pathogenic.

Literature cited by the submitters: PubMed 23225343.